The following is an entry in ClinVar:

ClinVar aggregate classification (germline): Uncertain significance (1 of 4 stars; one submission).

Conditions:
Neurofibromatosis, type 1 (NF1). Also called: Neurofibromatosis, type I; VON RECKLINGHAUSEN DISEASE; Peripheral type neurofibromatosis; NEUROFIBROMATOSIS, TYPE I, SOMATIC. Identifiers: Orphanet 636, MedGen C0027831, MONDO:0018975, OMIM 162200. Disease mechanism: loss of function.

Submission:

Labcorp Genetics (formerly Invitae), Labcorp
Classification: Uncertain significance for Neurofibromatosis, type 1. Last evaluated: 2025-08-07. Review status: criteria provided, single submitter. Criteria: Invitae Variant Classification Sherloc (09022015). Collection method: clinical testing. Allele origin: germline.
Comment: This sequence change replaces histidine, which is basic and polar, with arginine, which is basic and polar, at codon 2372 of the NF1 protein (p.His2372Arg). This variant is not present in population databases (gnomAD no frequency). This variant has not been reported in the literature in individuals affected with NF1-related conditions. ClinVar contains an entry for this variant (Variation ID: 853509). Invitae Evidence Modeling of protein sequence and biophysical properties (such as structural, functional, and spatial information, amino acid conservation, physicochemical variation, residue mobility, and thermodynamic stability) indicates that this missense variant is expected to disrupt NF1 protein function with a positive predictive value of 95%. In summary, the available evidence is currently insufficient to determine the role of this variant in disease. Therefore, it has been classified as a Variant of Uncertain Significance.

NM_001042492.3(NF1):c.7178A>G (p.His2393Arg)

Gene: NF1 (neurofibromin 1; plus strand). Cytogenetic location: 17q11.2.
Variant type: single nucleotide variant.
Coding change: c.7178A>G on transcript NM_001042492.3 (MANE Select); coding-DNA position 7178, A replaced by G.
Protein change: p.His2393Arg; replaces histidine 2393 with arginine.
Molecular consequence: missense variant.
Genome position (GRCh38, 1-based): chr17:31,343,124, A>G. VCF-style: chr17-31343124-A-G. GRCh37 (hg19) VCF-style: chr17-29670142-A-G.
Other names: c.7115A>G, p.His2372Arg (NM_000267.4); short protein forms H2372R, H2393R.
Identifiers: ClinVar variation 853509 (VCV000853509.6), dbSNP rs2069870134, ClinGen allele CA399015765.